The following is an entry in ClinVar:

NM_001286581.2(PHRF1):c.93T>C (p.Phe31=)

Gene: PHRF1 (PHD and ring finger domains 1; plus strand). Cytogenetic location: 11p15.5.
Variant type: single nucleotide variant.
Coding change: c.93T>C on transcript NM_001286581.2 (MANE Select); coding-DNA position 93, T replaced by C.
Protein change: p.Phe31=; no amino-acid change (phenylalanine 31 retained).
Molecular consequence: synonymous variant. On other transcripts: intron variant (1).
Genome position (GRCh38, 1-based): chr11:581,605, T>C. VCF-style: chr11-581605-T-C. GRCh37 (hg19) VCF-style: chr11-581605-T-C.
Other names: c.93T>C, p.Phe31= (NM_001286582.2, NM_020901.4); c.85+8T>C (NM_001286583.2).
Identifiers: ClinVar variation 2641075 (VCV002641075.24), dbSNP rs369756671, ClinGen allele CA5781611.

ClinVar aggregate classification (germline): Likely benign (1 of 4 stars; one submission).

Allele frequency attached by ClinVar (database versions not stated): gnomAD 0.00001; gnomAD exomes 0.00001; ExAC 0.00002; TOPMed 0.00004; ESP Exome Variant Server 0.00016.
gnomAD v4.1: 17 of 1,612,038 alleles (0.0011%); highest among the groups gnomAD compares: African/African-American, 0.0027%; no homozygotes.

Submission:

CeGaT Center for Human Genetics Tuebingen
Classification: Likely benign. Last evaluated: 2023-05-01. Review status: criteria provided, single submitter. Criteria: CeGaT Center For Human Genetics Tuebingen Variant Classification Criteria Version 2. Collection method: clinical testing. Allele origin: germline. Affected: yes. Observed: 1 variant allele.
Comment: PHRF1: BP4, BP7